The following is an entry in ClinVar:

NM_033343.4(LHX4):c.269C>G (p.Thr90Arg)

Gene: LHX4 (LIM homeobox 4; plus strand). Cytogenetic location: 1q25.2.
Variant type: single nucleotide variant.
Coding change: c.269C>G on transcript NM_033343.4 (MANE Select); coding-DNA position 269, C replaced by G.
Protein change: p.Thr90Arg; replaces threonine 90 with arginine.
Molecular consequence: missense variant.
Genome position (GRCh38, 1-based): chr1:180,266,412, C>G. VCF-style: chr1-180266412-C-G. GRCh37 (hg19) VCF-style: chr1-180235547-C-G.
Other names: short protein forms T90R.
Identifiers: ClinVar variation 876696 (VCV000876696.4), dbSNP rs773975101, ClinGen allele CA1271852.

ClinVar aggregate classification (germline): Uncertain significance (1 of 4 stars; one submission).

Conditions:
Short stature-pituitary and cerebellar defects-small sella turcica syndrome (CPHD4). Also called: Pituitary hormone deficiency, combined with or without cerebellar defects; Short stature, pituitary and cerebellar defects and small sella turcica. Identifiers: Orphanet 85442, MedGen C2678408, MONDO:0009880, OMIM 262700.

Allele frequency attached by ClinVar (database versions not stated): TOPMed 0.00004.
gnomAD v4.1: 19 of 1,614,028 alleles (0.0012%); highest among the groups gnomAD compares: Non-Finnish European, 0.0014%; no homozygotes.

Submission:

Illumina Laboratory Services, Illumina
Classification: Uncertain significance for Short stature-pituitary and cerebellar defects-small sella turcica syndrome. Last evaluated: 2017-04-27. Review status: criteria provided, single submitter. Criteria: ICSL Variant Classification Criteria 13 December 2019. Collection method: clinical testing. Allele origin: germline.
Comment: This variant was observed as part of a predisposition screen in an ostensibly healthy population. A literature search was performed for the gene, cDNA change, and amino acid change (where applicable). Publications were found based on this search. However, the evidence from the literature, in combination with allele frequency data from public databases where available, was not sufficient to rule this variant in or out of causing disease. Therefore, this variant is classified as a variant of unknown significance.

Literature cited by the submitters: PubMed 18445675.